The following is an entry in ClinVar:

ClinVar aggregate classification (germline): Uncertain significance. Review status: criteria provided, multiple submitters, no conflicts (2 of 4 stars). 2 submissions from 2 submitters: Uncertain significance (2). Last evaluated 2024-02-24.

Conditions:
Posterior column ataxia-retinitis pigmentosa syndrome (RETSNS). Also called: RETINOPATHY-SENSORY NEUROPATHY SYNDROME. Identifiers: Orphanet 88628, MedGen C1836916, MONDO:0012177, OMIM 609033.

Allele frequency attached by ClinVar (database versions not stated): gnomAD 0.00001; gnomAD exomes 0.00003; TOPMed 0.00004; ExAC 0.00058.
gnomAD v4.1: 37 of 1,462,542 alleles (0.0025%); highest among the groups gnomAD compares: Non-Finnish European, 0.0033%; no homozygotes.

Submissions (2):

Labcorp Genetics (formerly Invitae), Labcorp
Classification: Uncertain significance. Last evaluated: 2024-02-24. Review status: criteria provided, single submitter. Criteria: Invitae Variant Classification Sherloc (09022015). Collection method: clinical testing. Allele origin: germline.
Comment: This sequence change replaces glycine, which is neutral and non-polar, with serine, which is neutral and polar, at codon 28 of the FLVCR1 protein (p.Gly28Ser). The frequency data for this variant in the population databases is considered unreliable, as metrics indicate poor data quality at this position in the gnomAD database. This variant has not been reported in the literature in individuals affected with FLVCR1-related conditions. ClinVar contains an entry for this variant (Variation ID: 873876). An algorithm developed to predict the effect of missense changes on protein structure and function (PolyPhen-2) suggests that this variant¬†is likely to be tolerated. In summary, the available evidence is currently insufficient to determine the role of this variant in disease. Therefore, it has been classified as a Variant of Uncertain Significance.

Illumina Laboratory Services, Illumina
Classification: Uncertain significance for Posterior column ataxia-retinitis pigmentosa syndrome. Last evaluated: 2018-01-13. Review status: criteria provided, single submitter. Criteria: ICSL Variant Classification Criteria 13 December 2019. Collection method: clinical testing. Allele origin: germline.

NM_014053.4(FLVCR1):c.82G>A (p.Gly28Ser)

Genes: FLVCR1 (FLVCR choline and heme transporter 1; plus strand), LOC129932486 (ATAC-STARR-seq lymphoblastoid silent region 1807; plus strand). Cytogenetic location: 1q32.3.
Variant type: single nucleotide variant.
Coding change: c.82G>A on transcript NM_014053.4 (MANE Select); coding-DNA position 82, G replaced by A.
Protein change: p.Gly28Ser; replaces glycine 28 with serine.
Molecular consequence: missense variant.
Genome position (GRCh38, 1-based): chr1:212,858,534, G>A. VCF-style: chr1-212858534-G-A. GRCh37 (hg19) VCF-style: chr1-213031876-G-A.
Other names: short protein forms G28S.
Identifiers: ClinVar variation 873876 (VCV000873876.11), dbSNP rs746296931, ClinGen allele CA1385833.
Genomic context (GRCh38, chr1:212,858,534, plus strand): 5'-GAGGGGGCGGCGGTGGCGCCCGGACACCCGCTCGCGAAAGGATACCTCCCGTTGCCGAGG[G>A]GCGCGCCCGTTGGGAAGGAGAGCGTGGAGCTGCAGAACGGGCCCAAAGCGGGCACCTTCC-3'
Protein context (NP_054772.1, residues 18-38): LAKGYLPLPR[Gly28Ser]APVGKESVEL